The following is an entry in ClinVar:

ClinVar aggregate classification (germline): Conflicting classifications of pathogenicity. Review status: criteria provided, conflicting classifications (1 of 4 stars). 3 submissions from 3 submitters: Uncertain significance (2); Benign (1). Last evaluated 2025-10-28.

Conditions:
Primary ciliary dyskinesia. Also called: Ciliary dyskinesia. Identifiers: Orphanet 244, MedGen C0008780, MONDO:0016575, HP:0012265.

Allele frequency attached by ClinVar (database versions not stated): TOPMed 0.00001.

Submissions (3):

Labcorp Genetics (formerly Invitae), Labcorp
Classification: Benign for Primary ciliary dyskinesia. Last evaluated: 2025-10-28. Review status: criteria provided, single submitter. Criteria: Invitae Variant Classification Sherloc (09022015). Collection method: clinical testing. Allele origin: germline.

GeneDx
Classification: Uncertain significance. Last evaluated: 2024-08-09. Review status: criteria provided, single submitter. Criteria: GeneDx Variant Classification Process June 2021. Collection method: clinical testing. Allele origin: germline. Affected: yes.
Comment: In silico analysis supports that this missense variant has a deleterious effect on protein structure/function; Has not been previously published as pathogenic or benign to our knowledge

Ambry Genetics
Classification: Uncertain significance for Primary ciliary dyskinesia. Last evaluated: 2021-10-05. Review status: criteria provided, single submitter. Criteria: Ambry Variant Classification Scheme 2023. Collection method: clinical testing. Allele origin: germline.
Comment: The p.M188R variant (also known as c.563T>G), located in coding exon 3 of the DNAH11 gene, results from a T to G substitution at nucleotide position 563. The methionine at codon 188 is replaced by arginine, an amino acid with similar properties. This amino acid position is not well conserved in available vertebrate species. In addition, this alteration is predicted to be tolerated by in silico analysis. Since supporting evidence is limited at this time, the clinical significance of this alteration remains unclear.

NM_001277115.2(DNAH11):c.563T>G (p.Met188Arg)

Gene: DNAH11 (dynein axonemal heavy chain 11; plus strand). Cytogenetic location: 7p15.3.
Variant type: single nucleotide variant.
Coding change: c.563T>G on transcript NM_001277115.2 (MANE Select); coding-DNA position 563, T replaced by G.
Protein change: p.Met188Arg; replaces methionine 188 with arginine.
Molecular consequence: missense variant.
Genome position (GRCh38, 1-based): chr7:21,558,869, T>G. VCF-style: chr7-21558869-T-G. GRCh37 (hg19) VCF-style: chr7-21598487-T-G.
Other names: short protein forms M188R.
Identifiers: ClinVar variation 238925 (VCV000238925.11), dbSNP rs768697972, ClinGen allele CA4178712.